The following is an entry in ClinVar:

ClinVar aggregate classification (germline): other (0 of 4 stars; one submission).

Conditions:
Familial colorectal cancer. Identifiers: MedGen CN280943, MONDO:0023113. Disease mechanism: loss of function.

Allele frequency attached by ClinVar (database versions not stated): TOPMed 0.00004; gnomAD 0.00006.
gnomAD v4.1: 10 of 152,174 alleles (0.0066%); highest among the groups gnomAD compares: South Asian, 0.021%; no homozygotes.

Submission:

Systems Biology Platform Zhejiang California International NanoSystems Institute
Classification: other for Familial colorectal cancer. Review status: no assertion criteria provided. Collection method: not provided. Allele origin: unknown.
ClinVar note: Converted during submission from cancer to other.

NM_000038.6(APC):c.835-989C>A

Gene: APC (APC regulator of WNT signaling pathway; plus strand). Cytogenetic location: 5q22.2.
Variant type: single nucleotide variant.
Coding change: c.835-989C>A on transcript NM_000038.6 (MANE Select); 989 bases into the intron before coding-DNA position 835, C replaced by A.
Molecular consequence: intron variant.
Genome position (GRCh38, 1-based): chr5:112,814,506, C>A. VCF-style: chr5-112814506-C-A. GRCh37 (hg19) VCF-style: chr5-112150203-C-A.
Other names: c.835-989C>A (NM_001354895.2, NM_001127510.3, NM_001354896.2 and 1 more transcripts); c.865-989C>A (NM_001354897.2, NM_001354902.2); c.781-989C>A (NM_001127511.3); c.760-989C>A (NM_001354898.2, NM_001354904.2); c.-15-989C>A (NM_001354906.2); c.751-989C>A (NM_001354899.2); c.658-989C>A (NM_001354900.2, NM_001354901.2, NM_001354905.2).
Identifiers: ClinVar variation 83094 (VCV000083094.2), dbSNP rs77151166, ClinGen allele CA015402.